The following is an entry in ClinVar:

NM_001042492.3(NF1):c.1373C>T (p.Pro458Leu)

Gene: NF1 (neurofibromin 1; plus strand). Cytogenetic location: 17q11.2.
Variant type: single nucleotide variant.
Coding change: c.1373C>T on transcript NM_001042492.3 (MANE Select); coding-DNA position 1373, C replaced by T.
Protein change: p.Pro458Leu; replaces proline 458 with leucine.
Molecular consequence: missense variant.
Genome position (GRCh38, 1-based): chr17:31,206,352, C>T. VCF-style: chr17-31206352-C-T. GRCh37 (hg19) VCF-style: chr17-29533370-C-T.
Other names: c.1373C>T, p.Pro458Leu (NM_000267.4, NM_001128147.3); short protein forms P458L.
Identifiers: ClinVar variation 1443861 (VCV001443861.11), dbSNP rs781555047, ClinGen allele CA398999805.

ClinVar aggregate classification (germline): Uncertain significance. Review status: criteria provided, multiple submitters, no conflicts (2 of 4 stars). 3 submissions from 3 submitters: Uncertain significance (3). Last evaluated 2025-04-01.

Conditions:
Hereditary cancer-predisposing syndrome. Also called: Tumor predisposition; Hereditary neoplastic syndrome; Hereditary Cancer Syndrome; Neoplastic Syndromes, Hereditary. Identifiers: Orphanet 140162, MedGen C0027672, MeSH D009386, MONDO:0015356.
Cardiovascular phenotype. Identifiers: MedGen CN230736.
Neurofibromatosis, type 1 (NF1). Also called: NEUROFIBROMATOSIS, TYPE I, SOMATIC; VON RECKLINGHAUSEN DISEASE; Peripheral type neurofibromatosis; Neurofibromatosis, type I. Identifiers: Orphanet 636, MedGen C0027831, MONDO:0018975, OMIM 162200. Disease mechanism: loss of function.

Allele frequency attached by ClinVar (database versions not stated): gnomAD exomes below 0.00001.
gnomAD v4.1: 3 of 1,613,726 alleles (0.00019%); highest among the groups gnomAD compares: Non-Finnish European, 0.00025%; no homozygotes.

Submissions (3):

GeneDx
Classification: Uncertain significance. Last evaluated: 2025-04-01. Review status: criteria provided, single submitter. Criteria: GeneDx Variant Classification Process June 2021. Collection method: clinical testing. Allele origin: germline. Affected: yes.
Comment: Not observed at significant frequency in large population cohorts (gnomAD); In silico analysis supports that this missense variant has a deleterious effect on protein structure/function; Has not been previously published as pathogenic or benign to our knowledge

Labcorp Genetics (formerly Invitae), Labcorp
Classification: Uncertain significance for Neurofibromatosis, type 1. Last evaluated: 2022-06-10. Review status: criteria provided, single submitter. Criteria: Invitae Variant Classification Sherloc (09022015). Collection method: clinical testing. Allele origin: germline.
Comment: In summary, the available evidence is currently insufficient to determine the role of this variant in disease. Therefore, it has been classified as a Variant of Uncertain Significance. Advanced modeling of protein sequence and biophysical properties (such as structural, functional, and spatial information, amino acid conservation, physicochemical variation, residue mobility, and thermodynamic stability) performed at Invitae indicates that this missense variant is not expected to disrupt NF1 protein function. This variant has not been reported in the literature in individuals affected with NF1-related conditions. This variant is not present in population databases (gnomAD no frequency). This sequence change replaces proline, which is neutral and non-polar, with leucine, which is neutral and non-polar, at codon 458 of the NF1 protein (p.Pro458Leu).

Ambry Genetics
Classification: Uncertain significance for Cardiovascular phenotype; Hereditary cancer-predisposing syndrome. Last evaluated: 2021-09-02. Review status: criteria provided, single submitter. Criteria: Ambry Variant Classification Scheme 2023. Collection method: clinical testing. Allele origin: germline.
Comment: The p.P458L variant (also known as c.1373C>T), located in coding exon 12 of the NF1 gene, results from a C to T substitution at nucleotide position 1373. The proline at codon 458 is replaced by leucine, an amino acid with similar properties. This amino acid position is not well conserved in available vertebrate species. In addition, the in silico prediction for this alteration is inconclusive. Since supporting evidence is limited at this time, the clinical significance of this alteration remains unclear.